The following is an entry in ClinVar:

NC_000003.11:g.(?_142168271)_(142297546_?)dup

Gene: ATR (ATR serine/threonine kinase; minus strand). Cytogenetic location: 3q23.
Variant type: Duplication.
Identifiers: ClinVar variation 1022719 (VCV001022719.5).

ClinVar aggregate classification (germline): Uncertain significance (1 of 4 stars; one submission).

Submission:

Labcorp Genetics (formerly Invitae), Labcorp
Classification: Uncertain significance. Last evaluated: 2023-01-30. Review status: criteria provided, single submitter. Criteria: Invitae Variant Classification Sherloc (09022015). Collection method: clinical testing. Allele origin: germline.
Comment: In summary, the available evidence is currently insufficient to determine the role of this variant in disease. Therefore, it has been classified as a Variant of Uncertain Significance. This variant has not been reported in the literature in individuals affected with ATR-related conditions. A copy number gain of the genomic region encompassing the full coding sequence of the ATR gene has been identified. The boundaries of this event are unknown as they extend beyond the assayed region for this gene and therefore may encompass additional genes. As the precise location of this event is unknown, it may be in tandem or it may be located elsewhere in the genome.